The following is an entry in ClinVar:

ClinVar aggregate classification (germline): Uncertain significance (1 of 4 stars; one submission).

Submission:

Labcorp Genetics (formerly Invitae), Labcorp
Classification: Uncertain significance. Last evaluated: 2021-08-31. Review status: criteria provided, single submitter. Criteria: Invitae Variant Classification Sherloc (09022015). Collection method: clinical testing. Allele origin: germline.
Comment: This sequence change replaces glutamic acid with lysine at codon 1617 of the SZT2 protein (p.Glu1617Lys). The glutamic acid residue is moderately conserved and there is a small physicochemical difference between glutamic acid and lysine. This variant is not present in population databases (ExAC no frequency). This variant has not been reported in the literature in individuals affected with SZT2-related conditions. Algorithms developed to predict the effect of missense changes on protein structure and function are either unavailable or do not agree on the potential impact of this missense change (SIFT: "Deleterious"; PolyPhen-2: "Benign"; Align-GVGD: "Class C15"). In summary, the available evidence is currently insufficient to determine the role of this variant in disease. Therefore, it has been classified as a Variant of Uncertain Significance.

NM_001365999.1(SZT2):c.5020G>A (p.Glu1674Lys)

Gene: SZT2 (SZT2 subunit of KICSTOR complex; plus strand). Cytogenetic location: 1p34.2.
Variant type: single nucleotide variant.
Coding change: c.5020G>A on transcript NM_001365999.1 (MANE Select); coding-DNA position 5020, G replaced by A.
Protein change: p.Glu1674Lys; replaces glutamic acid 1674 with lysine.
Molecular consequence: missense variant.
Genome position (GRCh38, 1-based): chr1:43,431,368, G>A. VCF-style: chr1-43431368-G-A. GRCh37 (hg19) VCF-style: chr1-43897039-G-A.
Other names: c.4849G>A, p.Glu1617Lys (NM_015284.4); short protein forms E1674K, E1617K.
Identifiers: ClinVar variation 955337 (VCV000955337.7), dbSNP rs1653851854, ClinGen allele CA340023211.